The following is an entry in ClinVar:

ClinVar aggregate classification (germline): Benign. Review status: criteria provided, multiple submitters, no conflicts (2 of 4 stars). 9 submissions from 9 submitters: Benign (8). 1 of the submissions does not count toward it. Last evaluated 2026-02-04.

Conditions:
Spondylo-ocular syndrome. Also called: Spondyloocular syndrome, autosomal recessive. Identifiers: Orphanet 85194, MedGen C4225412, MONDO:0011604, OMIM 605822.
Osteogenesis imperfecta (OI). Identifiers: Orphanet 666, MedGen C0029434, MeSH D010013, MONDO:0019019.
PSEUDOXANTHOMA ELASTICUM, MODIFIER OF SEVERITY OF. Identifiers: MedGen C3279392, OMIM 264800.

Allele frequency attached by ClinVar (database versions not stated): 1000 Genomes Project 30x 0.24813; 1000 Genomes Project 0.25100; TOPMed 0.31382; gnomAD 0.33080.

Submissions (9):

Labcorp Genetics (formerly Invitae), Labcorp
Classification: Benign. Last evaluated: 2026-02-04. Review status: criteria provided, single submitter. Criteria: Invitae Variant Classification Sherloc (09022015). Collection method: clinical testing. Allele origin: germline.

Blueprint Genetics
Classification: Benign. Last evaluated: 2024-11-28. Review status: criteria provided, single submitter. Criteria: ACMG Guidelines, 2015. Collection method: clinical testing. Allele origin: germline.

Mayo Clinic Laboratories, Mayo Clinic
Classification: Benign. Last evaluated: 2023-02-21. Review status: criteria provided, single submitter. Criteria: ACMG Guidelines, 2015. Collection method: clinical testing. Allele origin: germline. Observed: 69 variant alleles.
Comment: BA1

Genome Diagnostics Laboratory, The Hospital for Sick Children
Classification: Benign for Osteogenesis imperfecta. Last evaluated: 2022-07-16. Review status: criteria provided, single submitter. Criteria: ACMG Guidelines, 2015. Collection method: clinical testing. Allele origin: germline.

Genome-Nilou Lab
Classification: Benign for Spondylo-ocular syndrome. Last evaluated: 2021-12-05. Review status: criteria provided, single submitter. Criteria: ACMG Guidelines, 2015. Collection method: clinical testing. Allele origin: germline. Affected: no.

GeneDx
Classification: Benign. Last evaluated: 2020-11-25. Review status: criteria provided, single submitter. Criteria: GeneDx Variant Classification Process June 2021. Collection method: clinical testing. Allele origin: germline. Affected: yes.
Comment: This variant is associated with the following publications: (PMID: 16571645)

Mendelics
Classification: Benign for Spondylo-ocular syndrome. Last evaluated: 2019-05-28. Review status: criteria provided, single submitter. Criteria: Mendelics Assertion Criteria 2017. Collection method: clinical testing. Allele origin: unknown.

Breakthrough Genomics
Classification: Benign. Review status: criteria provided, single submitter. Criteria: ACMG Guidelines, 2015. Collection method: not provided. Allele origin: germline. Inheritance: Autosomal recessive inheritance. Affected: yes.

OMIM
Classification: risk factor for PSEUDOXANTHOMA ELASTICUM, MODIFIER OF SEVERITY OF. Last evaluated: 2006-09-01. Review status: no assertion criteria provided. Collection method: literature only. Allele origin: germline. Not counted in ClinVar's aggregate classification.

Literature cited by the submitters: PubMed 16571645 (cited by OMIM).

NM_022167.4(XYLT2):c.2402C>G (p.Thr801Arg)

Gene: XYLT2 (xylosyltransferase 2; plus strand). Cytogenetic location: 17q21.33.
Variant type: single nucleotide variant.
Coding change: c.2402C>G on transcript NM_022167.4 (MANE Select); coding-DNA position 2402, C replaced by G.
Protein change: p.Thr801Arg; replaces threonine 801 with arginine.
Molecular consequence: missense variant.
Genome position (GRCh38, 1-based): chr17:50,360,095, C>G. VCF-style: chr17-50360095-C-G. GRCh37 (hg19) VCF-style: chr17-48437456-C-G.
Other names: short protein forms T801R.
Identifiers: ClinVar variation 2533 (VCV000002533.19), dbSNP rs6504649, ClinGen allele CA115601.
Genomic context (GRCh38, chr17:50,360,095, plus strand): 5'-TGAGTAGCATCCTGAACCTGCCTCAGCCGGAGCTCGCGGAGGAGGCTGCCCAGCGGCACA[C>G]ACAGCTCACAGGCCCTGCGCTCGAGGCCTGGACAGACAGGGAACTGAGCAGCTTCTGGTC-3'
Protein context (NP_071450.2, residues 791-811): ELAEEAAQRH[Thr801Arg]QLTGPALEAW